The following is an entry in ClinVar:

ClinVar aggregate classification (germline): Uncertain significance (1 of 4 stars; one submission).

Submission:

Ambry Genetics
Classification: Uncertain significance. Last evaluated: 2025-03-30. Review status: criteria provided, single submitter. Criteria: Ambry Variant Classification Scheme 2023. Collection method: clinical testing. Allele origin: germline.
Comment: The p.G613R variant (also known as c.1837G>A), located in coding exon 1 of the TET2 gene, results from a G to A substitution at nucleotide position 1837. The glycine at codon 613 is replaced by arginine, an amino acid with dissimilar properties. This amino acid position is conserved. In addition, this alteration is predicted to be tolerated by in silico analysis. Based on the available evidence, the clinical significance of this variant remains unclear.

NM_001127208.3(TET2):c.1837G>A (p.Gly613Arg)

Genes: TET2 (tet methylcytosine dioxygenase 2; plus strand), TET2-AS1 (TET2 antisense RNA 1; minus strand). Cytogenetic location: 4q24.
Variant type: single nucleotide variant.
Coding change: c.1837G>A on transcript NM_001127208.3 (MANE Select); coding-DNA position 1837, G replaced by A.
Protein change: p.Gly613Arg; replaces glycine 613 with arginine.
Molecular consequence: missense variant.
Genome position (GRCh38, 1-based): chr4:105,235,779, G>A. VCF-style: chr4-105235779-G-A. GRCh37 (hg19) VCF-style: chr4-106156936-G-A.
Other names: c.1837G>A, p.Gly613Arg (NM_017628.4); short protein forms G613R.
Identifiers: ClinVar variation 3967510 (VCV003967510.1).